The following is an entry in ClinVar:

NM_000136.3(FANCC):c.415G>C (p.Gly139Arg)

Gene: FANCC (FA complementation group C; minus strand). Cytogenetic location: 9q22.32.
Variant type: single nucleotide variant.
Coding change: c.415G>C on transcript NM_000136.3 (MANE Select); coding-DNA position 415, G replaced by C.
Protein change: p.Gly139Arg; replaces glycine 139 with arginine.
Molecular consequence: missense variant.
Genome position (GRCh38, 1-based): chr9:95,172,078, C>G on the plus strand (G>C on the coding strand, the complement: FANCC is on the minus strand). VCF-style: chr9-95172078-C-G. GRCh37 (hg19) VCF-style: chr9-97934360-C-G.
Other names: c.415G>C, p.Gly139Arg (NM_001243743.2, NM_001243744.2); short protein forms G139R.
Identifiers: ClinVar variation 3512757 (VCV003512757.1).

ClinVar aggregate classification (germline): Uncertain significance (1 of 4 stars; one submission).

Conditions:
Hereditary cancer-predisposing syndrome. Also called: Tumor predisposition; Neoplastic Syndromes, Hereditary; Hereditary Cancer Syndrome; Hereditary neoplastic syndrome. Identifiers: Orphanet 140162, MedGen C0027672, MeSH D009386, MONDO:0015356.

Submission:

Ambry Genetics
Classification: Uncertain significance for Hereditary cancer-predisposing syndrome. Last evaluated: 2024-08-11. Review status: criteria provided, single submitter. Criteria: Ambry Variant Classification Scheme 2023. Collection method: clinical testing. Allele origin: germline.
Comment: The p.G139R variant (also known as c.415G>C), located in coding exon 4 of the FANCC gene, results from a G to C substitution at nucleotide position 415. The glycine at codon 139 is replaced by arginine, an amino acid with dissimilar properties. This amino acid position is conserved. In addition, the in silico prediction for this alteration is inconclusive. Based on the available evidence, the clinical significance of this variant remains unclear.